The following is an entry in ClinVar:

NM_020361.5(CPA6):c.746A>G (p.Asn249Ser)

Genes: ARFGEF1-DT (ARFGEF1 divergent transcript; plus strand), CPA6 (carboxypeptidase A6; minus strand). Cytogenetic location: 8q13.2.
Variant type: single nucleotide variant.
Coding change: c.746A>G on transcript NM_020361.5 (MANE Select); coding-DNA position 746, A replaced by G.
Protein change: p.Asn249Ser; replaces asparagine 249 with serine.
Molecular consequence: missense variant.
Genome position (GRCh38, 1-based): chr8:67,484,680, T>C on the plus strand (A>G on the coding strand, the complement: CPA6 is on the minus strand). VCF-style: chr8-67484680-T-C. GRCh37 (hg19) VCF-style: chr8-68396915-T-C.
Other names: short protein forms N249S.
Identifiers: ClinVar variation 128847 (VCV000128847.24), dbSNP rs17343819, ClinGen allele CA152503.

ClinVar aggregate classification (germline): Benign. Review status: criteria provided, multiple submitters, no conflicts (2 of 4 stars). 6 submissions from 6 submitters: Benign (5). 1 of the submissions does not count toward it. Last evaluated 2026-01-19.

Conditions:
Familial temporal lobe epilepsy 5. Identifiers: MedGen C3280730, MONDO:0013741, OMIM 614417.
Febrile seizures, familial, 11 (FEB11). Also called: CONVULSIONS, FAMILIAL FEBRILE, 11. Identifiers: MedGen C3280734, MONDO:0024566, OMIM 614418.

Allele frequency attached by ClinVar (database versions not stated): 1000 Genomes Project 0.07907; 1000 Genomes Project 30x 0.08089; gnomAD 0.11160 and 0.11318; gnomAD exomes 0.11227 and 0.13538; ExAC 0.11235; TOPMed 0.11541; ESP Exome Variant Server 0.12410.
gnomAD v4.1: 201,496 of 1,514,380 alleles (13%); highest among the groups gnomAD compares: Middle Eastern, 23%; 14,764 homozygotes.

Submissions (12):

Labcorp Genetics (formerly Invitae), Labcorp
Classification: Benign for Febrile seizures, familial, 11. Last evaluated: 2026-01-19. Review status: criteria provided, single submitter. Criteria: Invitae Variant Classification Sherloc (09022015). Collection method: clinical testing. Allele origin: germline.

Illumina Laboratory Services, Illumina
Classification: Benign for Familial temporal lobe epilepsy 5. Last evaluated: 2018-01-13. Review status: criteria provided, single submitter. Criteria: ICSL Variant Classification Criteria 13 December 2019. Collection method: clinical testing. Allele origin: germline.
Comment: This variant was observed in the ICSL laboratory as part of a predisposition screen in an ostensibly healthy population. It had not been previously curated by ICSL or reported in the Human Gene Mutation Database (HGMD: prior to June 1st, 2018), and was therefore a candidate for classification through an automated scoring system. Utilizing variant allele frequency, disease prevalence and penetrance estimates, and inheritance mode, an automated score was calculated to assess if this variant is too frequent to cause the disease. Based on the score and internal cut-off values, a variant classified as benign is not then subjected to further curation. The score for this variant resulted in a classification of benign for this disease.

Athena Diagnostics
Classification: Benign. Last evaluated: 2017-04-20. Review status: criteria provided, single submitter. Criteria: Athena Diagnostics Criteria. Collection method: clinical testing. Allele origin: germline.

Eurofins Ntd Llc (ga)
Classification: Benign. Last evaluated: 2016-07-07. Review status: criteria provided, single submitter. Criteria: EGL Classification Definitions 2015. Collection method: clinical testing. Allele origin: germline. Observed: 1 variant allele, 1 heterozygote.

Breakthrough Genomics
Classification: Benign. Review status: criteria provided, single submitter. Criteria: ACMG Guidelines, 2015. Collection method: not provided. Allele origin: germline. Inheritance: Autosomal recessive inheritance. Affected: yes.

Dr. Peter K. Rogan Lab, Western University
No classification provided (evidence only). Condition: Familial cancer of breast. Review status: no classification provided. Collection method: in vitro. Allele origin: not applicable. Functional consequence: retained intron. Not counted in ClinVar's aggregate classification.

Dr. Peter K. Rogan Lab, Western University
No classification provided (evidence only). Condition: Uterine carcinosarcoma. Review status: no classification provided. Collection method: in vitro. Allele origin: not applicable. Functional consequence: retained intron. Not counted in ClinVar's aggregate classification.

Dr. Peter K. Rogan Lab, Western University
No classification provided (evidence only). Condition: Uterine carcinosarcoma. Review status: no classification provided. Collection method: in vitro. Allele origin: not applicable. Functional consequence: retained intron. Not counted in ClinVar's aggregate classification.

Dr. Peter K. Rogan Lab, Western University
No classification provided (evidence only). Condition: Uterine carcinosarcoma. Review status: no classification provided. Collection method: in vitro. Allele origin: not applicable. Functional consequence: retained intron. Not counted in ClinVar's aggregate classification.

Dr. Peter K. Rogan Lab, Western University
No classification provided (evidence only). Condition: Nonpapillary renal cell carcinoma. Review status: no classification provided. Collection method: in vitro. Allele origin: not applicable. Functional consequence: retained intron. Not counted in ClinVar's aggregate classification.

Dr. Peter K. Rogan Lab, Western University
No classification provided (evidence only). Condition: Ovarian cancer. Review status: no classification provided. Collection method: in vitro. Allele origin: not applicable. Functional consequence: retained intron. Not counted in ClinVar's aggregate classification.

Genetic Services Laboratory, University of Chicago
Classification: Likely benign for AllHighlyPenetrant. Review status: no assertion criteria provided. Collection method: clinical testing. Allele origin: germline. Inheritance: Autosomal recessive inheritance. Not counted in ClinVar's aggregate classification.
Comment: Likely benign based on allele frequency in 1000 Genomes Project or ESP global frequency and its presence in a patient with a rare or unrelated disease phenotype. NOT Sanger confirmed.